The following is an entry in ClinVar:

NM_015015.3(KDM4B):c.2846A>C (p.Glu949Ala)

Gene: KDM4B (lysine demethylase 4B; plus strand). Cytogenetic location: 19p13.3.
Variant type: single nucleotide variant.
Coding change: c.2846A>C on transcript NM_015015.3 (MANE Select); coding-DNA position 2846, A replaced by C.
Protein change: p.Glu949Ala; replaces glutamic acid 949 with alanine.
Molecular consequence: missense variant.
Genome position (GRCh38, 1-based): chr19:5,144,357, A>C. VCF-style: chr19-5144357-A-C. GRCh37 (hg19) VCF-style: chr19-5144368-A-C.
Other names: c.2948A>C, p.Glu983Ala (NM_001411148.1); short protein forms E949A, E983A.
Identifiers: ClinVar variation 2572929 (VCV002572929.1), dbSNP rs2512167875, ClinGen allele CA403507915.

ClinVar aggregate classification (germline): Uncertain significance (1 of 4 stars; one submission).

Submission:

GeneDx
Classification: Uncertain significance. Last evaluated: 2023-01-15. Review status: criteria provided, single submitter. Criteria: GeneDx Variant Classification Process June 2021. Collection method: clinical testing. Allele origin: germline. Affected: yes.
Comment: Not observed at significant frequency in large population cohorts (gnomAD); In silico analysis supports that this missense variant has a deleterious effect on protein structure/function; Has not been previously published as pathogenic or benign to our knowledge